The following is an entry in ClinVar:

ClinVar aggregate classification (germline): Conflicting classifications of pathogenicity. Review status: criteria provided, conflicting classifications (1 of 4 stars). 3 submissions from 3 submitters: Uncertain significance (1); Likely benign (1). 1 of the submissions does not count toward it. Last evaluated 2023-11-24.

Conditions:
Hereditary cancer-predisposing syndrome. Also called: Hereditary Cancer Syndrome; Hereditary neoplastic syndrome; Neoplastic Syndromes, Hereditary; Tumor predisposition. Identifiers: Orphanet 140162, MedGen C0027672, MeSH D009386, MONDO:0015356.
Hereditary breast ovarian cancer syndrome. Also called: BRCA1- and BRCA2-Associated Hereditary Breast and Ovarian Cancer; Hereditary breast and ovarian cancer syndrome; Hereditary breast and ovarian cancer syndrome (HBOC); Breast and ovarian cancer; Hereditary breast and/or ovarian cancer syndrome; Hereditary breast and ovarian cancer. Identifiers: Orphanet 145, MedGen C0677776, MeSH D061325, MONDO:0003582. Disease mechanism: loss of function.
Breast-ovarian cancer, familial, susceptibility to, 1 (BROVCA1). Also called: BRCA1 Hereditary Breast and Ovarian Cancer; OVARIAN CANCER, SUSCEPTIBILITY TO. Identifiers: Orphanet 145, MedGen C2676676, MONDO:0011450, OMIM 604370. Disease mechanism: loss of function.

Submissions (3):

Labcorp Genetics (formerly Invitae), Labcorp
Classification: Uncertain significance for Hereditary breast ovarian cancer syndrome. Last evaluated: 2023-11-24. Review status: criteria provided, single submitter. Criteria: Invitae Variant Classification Sherloc (09022015). Collection method: clinical testing. Allele origin: germline.
Comment: This sequence change replaces asparagine, which is neutral and polar, with serine, which is neutral and polar, at codon 1268 of the BRCA1 protein (p.Asn1268Ser). This variant is not present in population databases (gnomAD no frequency). This missense change has been observed in individual(s) with BRCA1-related conditions (PMID: 18627636). This variant is also known as 3922A>G. ClinVar contains an entry for this variant (Variation ID: 55011). Advanced modeling of protein sequence and biophysical properties (such as structural, functional, and spatial information, amino acid conservation, physicochemical variation, residue mobility, and thermodynamic stability) performed at Invitae indicates that this missense variant is not expected to disrupt BRCA1 protein function with a negative predictive value of 95%. In summary, the available evidence is currently insufficient to determine the role of this variant in disease. Therefore, it has been classified as a Variant of Uncertain Significance.

University of Washington Department of Laboratory Medicine, University of Washington
Classification: Likely benign for Hereditary cancer-predisposing syndrome. Last evaluated: 2023-03-23. Review status: criteria provided, single submitter. Criteria: Dines et al. (Genet Med. 2020). Collection method: curation. Allele origin: germline.
Comment: Missense variant in a coldspot region where missense variants are very unlikely to be pathogenic (PMID:31911673).

BRCA1 coldspot (exon 11 using historical exon numbering). Reclassification based on statistical prior probability

Breast Cancer Information Core (BIC) (BRCA1)
Classification: Uncertain significance for Breast-ovarian cancer, familial 1. Last evaluated: 2010-09-18. Review status: no assertion criteria provided. Collection method: clinical testing. Allele origin: germline. Affected: yes. Observed: 1 variant allele. Not counted in ClinVar's aggregate classification.

Literature cited by the submitters: PubMed 18627636 (cited by Labcorp Genetics (formerly Invitae), Labcorp).

NM_007294.4(BRCA1):c.3803A>G (p.Asn1268Ser)

Genes: BRCA1 (BRCA1 DNA repair associated; minus strand), LOC126862571 (BRD4-independent group 4 enhancer GRCh37_chr17:41243136-41244335; plus strand). Cytogenetic location: 17q21.31.
Variant type: single nucleotide variant.
Coding change: c.3803A>G on transcript NM_007294.4 (MANE Select); coding-DNA position 3803, A replaced by G.
Protein change: p.Asn1268Ser; replaces asparagine 1268 with serine.
Molecular consequence: missense variant. On other transcripts: intron variant (135).
Genome position (GRCh38, 1-based): chr17:43,091,728, T>C on the plus strand (A>G on the coding strand, the complement: BRCA1 is on the minus strand). VCF-style: chr17-43091728-T-C. GRCh37 (hg19) VCF-style: chr17-41243745-T-C.
Other names: c.3803A>G, p.Asn1268Ser (NM_001407652.1, NM_001407684.1, NM_001407854.1 and 30 more transcripts); c.3725A>G, p.Asn1242Ser (NM_001407653.1, NM_001407654.1, NM_001407655.1 and 4 more transcripts); c.3722A>G, p.Asn1241Ser (NM_001407659.1, NM_001407660.1, NM_001407661.1 and 1 more transcripts); c.3680A>G, p.Asn1227Ser (NM_001407664.1, NM_001407665.1, NM_001407666.1 and 19 more transcripts); c.3677A>G, p.Asn1226Ser (NM_001407670.1, NM_001407671.1, NM_001407672.1 and 11 more transcripts); c.3662A>G, p.Asn1221Ser (NM_001407692.1, NM_001407694.1, NM_001407695.1 and 29 more transcripts); c.3659A>G, p.Asn1220Ser (NM_001407740.1, NM_001407741.1, NM_001407742.1 and 20 more transcripts); c.3590A>G, p.Asn1197Ser (NM_001407853.1, NM_001407894.1, NM_001407895.1 and 9 more transcripts); and 41 more; short protein forms N1268S, N1221S, N1157S, N1180S, N1226S, N1241S, N1140S, N1220S.
Identifiers: ClinVar variation 55011 (VCV000055011.7), dbSNP rs273900716, ClinGen allele CA002449.